The following is an entry in ClinVar:

ClinVar aggregate classification (germline): Uncertain significance. Review status: criteria provided, multiple submitters, no conflicts (2 of 4 stars). 3 submissions from 3 submitters: Uncertain significance (3). Last evaluated 2024-02-05.

Conditions:
Hypertrophic cardiomyopathy. Also called: HYPERTROPHIC MYOCARDIOPATHY. Identifiers: Orphanet 217569, MedGen C0007194, MeSH D002312, MONDO:0005045, HP:0001639.

Submissions (3):

All of Us Research Program, National Institutes of Health
Classification: Uncertain significance for Hypertrophic cardiomyopathy. Last evaluated: 2024-02-05. Review status: criteria provided, single submitter. Criteria: ACMG Guidelines, 2015. Collection method: clinical testing. Allele origin: germline. Inheritance: Autosomal dominant inheritance. Observed: 5 variant alleles, 5 heterozygotes.
Comment: This missense variant replaces lysine with arginine at codon 1216 of the MYBPC3 protein. Computational prediction tools indicate that this variant has a deleterious impact on protein structure and function. To our knowledge, functional studies have not been reported for this variant. This variant has been reported in one individual affected with Anderson-Fabry disease; this variant was also reported in three unaffected family members (PMID: 29415625). This individual also had co-occuring variants in the GLA and LAMA4 genes. This variant has not been identified in the general population by the Genome Aggregation Database (gnomAD). The available evidence is insufficient to determine the role of this variant in disease conclusively. Therefore, this variant is classified as a Variant of Uncertain Significance.

This study involves interpretation of variants in research participants for the purpose of population health screening. Participant phenotype was not available at the time of variant classification. Additional details can be found in publication PMID: 35346344, PMCID: PMC8962531

Labcorp Genetics (formerly Invitae), Labcorp
Classification: Uncertain significance for Hypertrophic cardiomyopathy. Last evaluated: 2022-02-19. Review status: criteria provided, single submitter. Criteria: Invitae Variant Classification Sherloc (09022015). Collection method: clinical testing. Allele origin: germline.
Comment: This sequence change replaces lysine, which is basic and polar, with arginine, which is basic and polar, at codon 1216 of the MYBPC3 protein (p.Lys1216Arg). In summary, the available evidence is currently insufficient to determine the role of this variant in disease. Therefore, it has been classified as a Variant of Uncertain Significance. Algorithms developed to predict the effect of sequence changes on RNA splicing suggest that this variant may create or strengthen a splice site. Algorithms developed to predict the effect of missense changes on protein structure and function (SIFT, PolyPhen-2, Align-GVGD) all suggest that this variant is likely to be disruptive. ClinVar contains an entry for this variant (Variation ID: 636550). This missense change has been observed in individual(s) with hypertrophic cardiomyopathy (PMID: 29415625). This variant is not present in population databases (gnomAD no frequency).

Blueprint Genetics
Classification: Uncertain significance. Last evaluated: 2018-01-04. Review status: criteria provided, single submitter. Criteria: ACMG Guidelines, 2015. Collection method: clinical testing. Allele origin: germline.

Literature cited by the submitters: PubMed 29415625 (cited by All of Us Research Program, National Institutes of Health and Labcorp Genetics (formerly Invitae), Labcorp).

NM_000256.3(MYBPC3):c.3647A>G (p.Lys1216Arg)

Gene: MYBPC3 (myosin binding protein C3; minus strand). Cytogenetic location: 11p11.2.
Variant type: single nucleotide variant.
Coding change: c.3647A>G on transcript NM_000256.3 (MANE Select); coding-DNA position 3647, A replaced by G.
Protein change: p.Lys1216Arg; replaces lysine 1216 with arginine.
Molecular consequence: missense variant.
Genome position (GRCh38, 1-based): chr11:47,332,239, T>C on the plus strand (A>G on the coding strand, the complement: MYBPC3 is on the minus strand). VCF-style: chr11-47332239-T-C. GRCh37 (hg19) VCF-style: chr11-47353790-T-C.
Other names: c.3647A>G, p.Lys1216Arg (LRG_386t1); short protein forms K1216R.
Identifiers: ClinVar variation 636550 (VCV000636550.7), dbSNP rs1595840860, ClinGen allele CA380311833.